The following is an entry in ClinVar:

ClinVar aggregate classification (germline): Uncertain significance (1 of 4 stars; one submission).

Allele frequency attached by ClinVar (database versions not stated): 1000 Genomes Project 30x 0.00031.
gnomAD v4.1: 85 of 700,406 alleles (0.012%); highest among the groups gnomAD compares: Non-Finnish European, 0.019%; no homozygotes.

Submission:

Labcorp Genetics (formerly Invitae), Labcorp
Classification: Uncertain significance. Last evaluated: 2022-08-23. Review status: criteria provided, single submitter. Criteria: Invitae Variant Classification Sherloc (09022015). Collection method: clinical testing. Allele origin: germline.
Comment: This variant occurs in the RNU4ATAC gene, which encodes an RNA molecule that does not result in a protein product. This variant is present in population databases (rs556631327, gnomAD 0.02%). This variant has not been reported in the literature in individuals affected with RNU4ATAC-related conditions. ClinVar contains an entry for this variant (Variation ID: 1522572). Experimental studies and prediction algorithms are not available or were not evaluated, and the functional significance of this variant is currently unknown. In summary, the available evidence is currently insufficient to determine the role of this variant in disease. Therefore, it has been classified as a Variant of Uncertain Significance.

NC_000002.12:g.121530943A>C

Genes: CLASP1 (cytoplasmic linker associated protein 1; minus strand), CLASP1-AS1 (CLASP1 antisense RNA 1; plus strand), RNU4ATAC (RNA, U4atac small nuclear; plus strand). Cytogenetic location: 2q14.2.
Variant type: single nucleotide variant.
Molecular consequence: intron variant (on NM_001395891.1).
Genome position: GRCh38 VCF-style: chr2-121530943-A-C. GRCh37 (hg19) VCF-style: chr2-122288519-A-C.
Other names: c.196-618T>G (NM_001142274.2, NM_015282.3, NM_001378003.1 and 5 more transcripts).
Identifiers: ClinVar variation 1522572 (VCV001522572.3), dbSNP rs556631327, ClinGen allele CA54810886.
Genomic context (GRCh38, chr2:121,530,943, plus strand): 5'-CATCCTTTTCTTGGGGTTGCGCTACTGTCCAATGAGCGCATAGTGAGGGCAGTACTGCTA[A>C]CGCCTGAACAACACACCCGCATCAACTAGAGCTTTTGCTTTATTTTGGTGCAATTTTTGG-3'